The following is an entry in ClinVar:

ClinVar aggregate classification (germline): Likely pathogenic. Review status: reviewed by expert panel (3 of 4 stars). 3 submissions from 3 submitters: Likely pathogenic (1). 2 of the submissions do not count toward it. Last evaluated 2023-12-29.

Conditions:
Marfan syndrome (MFS). Also called: MARFAN SYNDROME, TYPE I; FBN1-Related Marfan Syndrome; Marfan syndrome type 1; Marfan's syndrome; Marfan syndrome, classic. Identifiers: Orphanet 284963, Orphanet 558, MedGen C0024796, MONDO:0007947, OMIM 154700.

Submissions (3):

ClinGen FBN1 Variant Curation Expert Panel, ClinGen
Classification: Likely pathogenic for Marfan syndrome. Last evaluated: 2023-12-29. Review status: reviewed by expert panel. Criteria: Assertion Criteria VCEP FBN1 Version 1. Collection method: curation. Allele origin: germline. Inheritance: Autosomal dominant inheritance.
Comment: NM_000138.5 c.4407_4409dup is a duplication of 3 nucleotides in FBN1 predicted to cause the duplication of the cysteine residue at amino acid position 1470 (p.Cys1470dup). This variant has been identified in at least two individuals with suspicion for Marfan syndrome including a proband with several systemic features and a proband with tall stature and thoracic aortic aneurysm and dissection (TAAD) (PS4_supporting; GeneDx internal data). It is absent from gnomAD (PM2_supporting; v2.1.1 & v3.1.2). This in-frame insertion introduces a novel cysteine residue which may impede the normal formation of essential disulfide bridges (PM1, PM4). In summary, this variant meets criteria to be classified as likely pathogenic for Marfan syndrome based on the ACMG/AMP criteria applied, as specified by the ClinGen FBN1 VCEP: PM1, PM4, PM2_supporting, PS4_supporting.

GeneDx
Classification: Likely pathogenic. Last evaluated: 2025-06-05. Review status: criteria provided, single submitter. Criteria: GeneDx Variant Classification Process June 2021. Collection method: clinical testing. Allele origin: germline. Affected: yes. Not counted in ClinVar's aggregate classification.
Comment: Introduces a new cysteine residue within a calcium-binding EGF-like domain of the FBN1 gene, which may affect disulfide bonding and is predicted to alter the structure and function of the protein; cysteine substitutions in the calcium-binding EGF-like domains represent the majority of pathogenic missense changes associated with FBN1-related disorders (PMID: 12938084); Not observed at significant frequency in large population cohorts (gnomAD); Has not been previously published as pathogenic or benign to our knowledge; This variant is associated with the following publications: (PMID: 12938084)

Women's Health and Genetics/Laboratory Corporation of America, LabCorp
Classification: Uncertain significance. Last evaluated: 2016-01-12. Review status: criteria provided, single submitter. Criteria: LabCorp Variant Classification Summary - May 2015. Collection method: clinical testing. Allele origin: germline. Not counted in ClinVar's aggregate classification.

NM_000138.5(FBN1):c.4407_4409dup (p.Cys1470dup)

Gene: FBN1 (fibrillin 1; minus strand). Cytogenetic location: 15q21.1.
Variant type: Duplication.
Coding change: c.4407_4409dup on transcript NM_000138.5 (MANE Select); coding-DNA positions 4407 to 4409, 3 bases duplicated (CTG; older notation c.4407_4409dupCTG).
Protein change: p.Cys1470dup; duplicates cysteine 1470.
Molecular consequence: inframe insertion.
Genome position (GRCh38, 1-based): chr15:48,470,684-48,470,686, CAG duplicated on the plus strand (CTG on the coding strand, the reverse complement: FBN1 is on the minus strand); duplicating any 3 consecutive bases within chr15:48,470,684-48,470,687 gives the same sequence; the c. name uses the placement nearest the transcript's 3' end. VCF-style (leftmost placement, unchanged base first): chr15-48470683-A-ACAG. GRCh37 (hg19) VCF-style: chr15-48762880-A-ACAG.
Other names: NM_000138.5(FBN1):c.4407_4409dup; p.Cys1470dup; c.4407_4409dupCTG (NM_000138.4).
Identifiers: ClinVar variation 495609 (VCV000495609.5), dbSNP rs1555397404, ClinGen allele CA658683899.